The following is an entry in ClinVar:

ClinVar aggregate classification (germline): Uncertain significance. Review status: criteria provided, multiple submitters, no conflicts (2 of 4 stars). 2 submissions from 2 submitters: Uncertain significance (2). Last evaluated 2022-07-26.

Conditions:
Holoprosencephaly sequence (HPE). Also called: Holoprosencephaly. Identifiers: Orphanet 2162, MedGen C0079541, MONDO:0016296, HP:0001360.

Allele frequency attached by ClinVar (database versions not stated): gnomAD 0.00002; TOPMed 0.00003; gnomAD exomes 0.00004 and 0.00005; ESP Exome Variant Server 0.00008; ExAC 0.00010.
gnomAD v4.1: 54 of 1,441,130 alleles (0.0037%); highest among the groups gnomAD compares: Non-Finnish European, 0.0048%; no homozygotes.

Submissions (2):

Blueprint Genetics
Classification: Uncertain significance. Last evaluated: 2022-07-26. Review status: criteria provided, single submitter. Criteria: ACMG Guidelines, 2015. Collection method: clinical testing. Allele origin: germline.

Labcorp Genetics (formerly Invitae), Labcorp
Classification: Uncertain significance for Holoprosencephaly sequence. Last evaluated: 2021-03-26. Review status: criteria provided, single submitter. Criteria: Invitae Variant Classification Sherloc (09022015). Collection method: clinical testing. Allele origin: germline.
Comment: In summary, the available evidence is currently insufficient to determine the role of this variant in disease. Therefore, it has been classified as a Variant of Uncertain Significance. Algorithms developed to predict the effect of missense changes on protein structure and function (SIFT, PolyPhen-2, Align-GVGD) all suggest that this variant is likely to be disruptive, but these predictions have not been confirmed by published functional studies and their clinical significance is uncertain. This variant has not been reported in the literature in individuals with FOXH1-related conditions. While this variant is present in population databases (rs369306218), the frequency information is unreliable, as metrics indicate poor data quality at this position in the ExAC database. This sequence change replaces methionine with threonine at codon 41 of the FOXH1 protein (p.Met41Thr). The methionine residue is highly conserved and there is a moderate physicochemical difference between methionine and threonine.

NM_003923.3(FOXH1):c.122T>C (p.Met41Thr)

Gene: FOXH1 (forkhead box H1; minus strand). Cytogenetic location: 8q24.3.
Variant type: single nucleotide variant.
Coding change: c.122T>C on transcript NM_003923.3 (MANE Select); coding-DNA position 122, T replaced by C.
Protein change: p.Met41Thr; replaces methionine 41 with threonine.
Molecular consequence: missense variant.
Genome position (GRCh38, 1-based): chr8:144,475,635, A>G on the plus strand (T>C on the coding strand, the complement: FOXH1 is on the minus strand). VCF-style: chr8-144475635-A-G. GRCh37 (hg19) VCF-style: chr8-145701018-A-G.
Other names: short protein forms M41T.
Identifiers: ClinVar variation 1386532 (VCV001386532.9), dbSNP rs369306218, ClinGen allele CA4945673.